The following is an entry in ClinVar:

ClinVar aggregate classification (germline): Likely pathogenic. Review status: reviewed by expert panel (3 of 4 stars). 2 submissions from 2 submitters: Likely pathogenic (1). 1 of the submissions does not count toward it. Last evaluated 2026-08-06.

Conditions:
RPE65-related recessive retinopathy. Also called: Recessive RPE65 retinopathy. Identifiers: MedGen CN305526, MONDO:0100368.

Submissions (2):

ClinGen Leber Congenital Amaurosis/early Onset Retinal Dystrophy Variant Curation Expert Panel, ClinGen
Classification: Likely pathogenic for RPE65-related recessive retinopathy. Last evaluated: 2026-08-06. Review status: reviewed by expert panel. Criteria: ClinGen LCAeoRD ACMG Specifications RPE65 V1.0.0. Collection method: curation. Allele origin: germline. Inheritance: Autosomal recessive inheritance.
Comment: NM_000329.3(RPE65):c.47T>C (p.Phe16Ser) is a missense variant replacing phenylalanine with serine at amino acid p.16. This variant is absent from gnomAD v4.1.1 (PM2_Supporting). This variant has been reported in at least 1 proband with early-onset severe retinal dystrophy who was compound heterozygous with the NM_000329.3(RPE65):c.361del (p.Ser121fs) variant confirmed in trans, which was previously classified pathogenic by the ClinGen LCA / eoRD VCEP (1 point, PMID: 31630094, PM3). The variant has been reported in a second proband with the NM_000329.3(RPE65):c.1292A>G (p.Tyr431Cys) variant suspected but not confirmed in trans (PMID: 30025081, PMID: 38219857), however, this was not counted for PM3 in order to avoid circularity. At least one proband harboring this variant exhibits a phenotype including diagnosis of Leber congenital amaurosis (0.5 pts), extinguished electroretinogram responses from rods (0.5 pts) and cones (1 pt), and onset before age 1 year (1 pt), with genotyping by next-generation sequencing panel of 188 inherited retinal disease-associated genes that did not identify an alternative basis for retinal disease (2 pts), which together are specific for RPE65-related recessive retinopathy (total 5 points, PMID: 31630094, PP4). The computational predictor REVEL gives a score of 0.858, which is above the ClinGen LCA / eoRD VCEP threshold of ≥0.773 and predicts a damaging effect on RPE65 function (PP3_Moderate). The splicing impact predictor SpliceAI gives a score of 0.00, which is below the ClinGen LCA / eoRD VCEP recommended threshold of ≥0.2 and does not predict an impact on splicing. In summary, this variant meets the criteria to be classified as Likely Pathogenic for RPE65-related recessive retinopathy based on the ACMG/AMP criteria applied, as specified by the ClinGen LCA/eoRP VCEP: PM2_Supporting, PM3, PP4, and PP3_Moderate. (LCA/eoRD VCEP specifications version 1.0.0).

Women's Health and Genetics/Laboratory Corporation of America, LabCorp
Classification: Uncertain significance. Last evaluated: 2026-04-01. Review status: criteria provided, single submitter. Criteria: LabCorp Variant Classification Summary - May 2015. Collection method: clinical testing. Allele origin: germline. Not counted in ClinVar's aggregate classification.
Comment: Variant summary: RPE65 c.47T>C (p.Phe16Ser) results in a non-conservative amino acid change in the encoded protein sequence. Algorithms developed to predict the effect of missense changes on protein structure and function all suggest that this variant is likely to be disruptive. The variant was absent in 251226 control chromosomes (gnomAD). c.47T>C has been observed in individuals affected with Leber congenital amaurosis (e.g. Kumaran_2018, Shi_2021, Lin_2024). These data indicate that the variant may be associated with disease. To our knowledge, no experimental evidence demonstrating an impact on protein function has been reported. The following publications have been ascertained in the context of this evaluation (PMID: 31630094, 34830511, 38219857, 30025081). No submitters have cited clinical-significance assessments for this variant to ClinVar. Based on the evidence outlined above, the variant was classified as VUS-possibly pathogenic.

Literature cited by the submitters: PubMed 31630094 (cited by Women's Health and Genetics/Laboratory Corporation of America, LabCorp); PubMed 30025081 (cited by Women's Health and Genetics/Laboratory Corporation of America, LabCorp); PubMed 38219857 (cited by Women's Health and Genetics/Laboratory Corporation of America, LabCorp); PubMed 34830511 (cited by Women's Health and Genetics/Laboratory Corporation of America, LabCorp).

NM_000329.3(RPE65):c.47T>C (p.Phe16Ser)

Gene: RPE65 (retinoid isomerohydrolase RPE65; minus strand). Cytogenetic location: 1p31.3.
Variant type: single nucleotide variant.
Coding change: c.47T>C on transcript NM_000329.3 (MANE Select); coding-DNA position 47, T replaced by C.
Protein change: p.Phe16Ser; replaces phenylalanine 16 with serine.
Molecular consequence: missense variant. On other transcripts: 5 prime UTR variant (1), intron variant (1).
Genome position (GRCh38, 1-based): chr1:68,448,671, A>G on the plus strand (T>C on the coding strand, the complement: RPE65 is on the minus strand). VCF-style: chr1-68448671-A-G. GRCh37 (hg19) VCF-style: chr1-68914354-A-G.
Other names: NM_000329.3(RPE65):c.47T>C; p.Phe16Ser; c.47T>C, p.Phe16Ser (NM_001406853.1, NM_001406859.1, NM_001406860.1); c.-79T>C (NM_001406856.1); c.-183+1224T>C (NM_001406857.1); short protein forms F16S.
Identifiers: ClinVar variation 4848993 (VCV004848993.2).